The following is an entry in ClinVar:

ClinVar aggregate classification (germline): Uncertain significance. Review status: criteria provided, multiple submitters, no conflicts (2 of 4 stars). 2 submissions from 2 submitters: Uncertain significance (2). Last evaluated 2025-06-09.

Conditions:
Cystic fibrosis (CF). Also called: MUCOVISCIDOSIS. Identifiers: Orphanet 586, MedGen C0010674, MONDO:0009061, OMIM 219700. Disease mechanism: loss of function.

Allele frequency attached by ClinVar (database versions not stated): gnomAD exomes below 0.00001.
gnomAD v4.1: 6 of 1,613,920 alleles (0.00037%); highest among the groups gnomAD compares: Non-Finnish European, 0.00051%; no homozygotes.

Submissions (2):

Women's Health and Genetics/Laboratory Corporation of America, LabCorp
Classification: Uncertain significance. Last evaluated: 2025-06-09. Review status: criteria provided, single submitter. Criteria: LabCorp Variant Classification Summary - May 2015. Collection method: clinical testing. Allele origin: germline.

Ambry Genetics
Classification: Uncertain significance for Cystic fibrosis. Last evaluated: 2021-07-18. Review status: criteria provided, single submitter. Criteria: Ambry Variant Classification Scheme 2023. Collection method: clinical testing. Allele origin: germline.
Comment: The p.Q744R variant (also known as c.2231A>G), located in coding exon 14 of the CFTR gene, results from an A to G substitution at nucleotide position 2231. The glutamine at codon 744 is replaced by arginine, an amino acid with highly similar properties. This amino acid position is conserved. In addition, the in silico prediction for this alteration is inconclusive. Since supporting evidence is limited at this time, the clinical significance of this alteration remains unclear.

NM_000492.4(CFTR):c.2231A>G (p.Gln744Arg)

Gene: CFTR (CF transmembrane conductance regulator; plus strand). Cytogenetic location: 7q31.2.
Variant type: single nucleotide variant.
Coding change: c.2231A>G on transcript NM_000492.4 (MANE Select); coding-DNA position 2231, A replaced by G.
Protein change: p.Gln744Arg; replaces glutamine 744 with arginine.
Molecular consequence: missense variant.
Genome position (GRCh38, 1-based): chr7:117,592,398, A>G. VCF-style: chr7-117592398-A-G. GRCh37 (hg19) VCF-style: chr7-117232452-A-G.
Other names: short protein forms Q744R.
Identifiers: ClinVar variation 1788116 (VCV001788116.3), dbSNP rs1420300122, ClinGen allele CA368980520.